The following is an entry in ClinVar:

NM_000400.4(ERCC2):c.1860G>A (p.Met620Ile)

Gene: ERCC2 (ERCC excision repair 2, TFIIH core complex helicase subunit; minus strand). Cytogenetic location: 19q13.32.
Variant type: single nucleotide variant.
Coding change: c.1860G>A on transcript NM_000400.4 (MANE Select); coding-DNA position 1860, G replaced by A.
Protein change: p.Met620Ile; replaces methionine 620 with isoleucine.
Molecular consequence: missense variant.
Genome position (GRCh38, 1-based): chr19:45,352,788, C>T on the plus strand (G>A on the coding strand, the complement: ERCC2 is on the minus strand). VCF-style: chr19-45352788-C-T. GRCh37 (hg19) VCF-style: chr19-45856046-C-T.
Other names: short protein forms M620I.
Identifiers: ClinVar variation 1781502 (VCV001781502.2), dbSNP rs2514000228, ClinGen allele CA406363849.
Genomic context (GRCh38, chr19:45,352,788, plus strand): 5'-GGAGACAGAGCTACTCACCTTGAGAATGCGGCTCTGTGTGTAGACGTAGGGGACGCCAAA[C>T]ATGATGACGGCCCGCCCGTAGTGGTGCACTGGTGGGCAGAGGAGAGGGGGCGAGGGGGGT-3'
Protein context (NP_000391.1, residues 610-630): FVHHYGRAVI[Met620Ile]FGVPYVYTQS

ClinVar aggregate classification (germline): Uncertain significance (1 of 4 stars; one submission).

Conditions:
Inborn genetic diseases. Identifiers: MedGen C0950123, MeSH D030342.

Submission:

Ambry Genetics
Classification: Uncertain significance for Inborn genetic diseases. Last evaluated: 2021-06-30. Review status: criteria provided, single submitter. Criteria: Ambry Variant Classification Scheme 2023. Collection method: clinical testing. Allele origin: germline.
Comment: The p.M620I variant (also known as c.1860G>A), located in coding exon 20 of the ERCC2 gene, results from a G to A substitution at nucleotide position 1860. The methionine at codon 620 is replaced by isoleucine, an amino acid with highly similar properties. This amino acid position is conserved. In addition, this alteration is predicted to be deleterious by in silico analysis. Since supporting evidence is limited at this time, the clinical significance of this alteration remains unclear.